The following is an entry in ClinVar:

NM_001148.6(ANK2):c.1000T>C (p.Ser334Pro)

Gene: ANK2 (ankyrin 2; plus strand). Cytogenetic location: 4q26.
Variant type: single nucleotide variant.
Coding change: c.1000T>C on transcript NM_001148.6 (MANE Select); coding-DNA position 1000, T replaced by C.
Protein change: p.Ser334Pro; replaces serine 334 with proline.
Molecular consequence: missense variant.
Genome position (GRCh38, 1-based): chr4:113,255,744, T>C. VCF-style: chr4-113255744-T-C. GRCh37 (hg19) VCF-style: chr4-114176900-T-C.
Other names: c.937T>C, p.Ser313Pro (NM_001127493.3, NM_001354239.2, NM_001354243.2 and 14 more transcripts); c.1000T>C, p.Ser334Pro (NM_001354225.2, NM_001354228.2, NM_001354232.2 and 9 more transcripts); c.1045T>C, p.Ser349Pro (NM_001354230.2, NM_001354231.2, NM_001354237.2 and 5 more transcripts); c.913T>C, p.Ser305Pro (NM_001354249.2, NM_001354260.2, NM_001354264.2 and 16 more transcripts); c.958T>C, p.Ser320Pro (NM_001354261.2, NM_001386147.1, NM_001386160.1); c.988T>C, p.Ser330Pro (NM_001354269.3, NM_001386148.2, NM_001386186.2); c.1051T>C, p.Ser351Pro (NM_001386174.1); c.1027T>C, p.Ser343Pro (NM_001386175.1); and 1 more; short protein forms S305P, S313P, S320P, S322P, S330P, S334P, S343P, S349P.
Identifiers: ClinVar variation 3381535 (VCV003381535.1).

ClinVar aggregate classification (germline): Uncertain significance (1 of 4 stars; one submission).

Submission:

GeneDx
Classification: Uncertain significance. Last evaluated: 2024-05-19. Review status: criteria provided, single submitter. Criteria: GeneDx Variant Classification Process June 2021. Collection method: clinical testing. Allele origin: germline. Affected: yes.
Comment: Not observed at significant frequency in large population cohorts (gnomAD); In silico analysis supports that this missense variant has a deleterious effect on protein structure/function; Has not been previously published as pathogenic or benign to our knowledge